The following is an entry in ClinVar:

NM_152515.5(CKAP2L):c.847A>C (p.Ile283Leu)

Gene: CKAP2L (cytoskeleton associated protein 2L; minus strand). Cytogenetic location: 2q14.1.
Variant type: single nucleotide variant.
Coding change: c.847A>C on transcript NM_152515.5 (MANE Select); coding-DNA position 847, A replaced by C.
Protein change: p.Ile283Leu; replaces isoleucine 283 with leucine.
Molecular consequence: missense variant.
Genome position (GRCh38, 1-based): chr2:112,756,524, T>G on the plus strand (A>C on the coding strand, the complement: CKAP2L is on the minus strand). VCF-style: chr2-112756524-T-G. GRCh37 (hg19) VCF-style: chr2-113514101-T-G.
Other names: c.352A>C, p.Ile118Leu (NM_001304361.2); short protein forms I118L, I283L.
Identifiers: ClinVar variation 2514318 (VCV002514318.8), dbSNP rs374752968, ClinGen allele CA1836782.

ClinVar aggregate classification (germline): Uncertain significance. Review status: criteria provided, multiple submitters, no conflicts (2 of 4 stars). 3 submissions from 3 submitters: Uncertain significance (3). Last evaluated 2025-10-14.

Conditions:
Inborn genetic diseases. Identifiers: MedGen C0950123, MeSH D030342.

Allele frequency attached by ClinVar (database versions not stated): gnomAD 0.00013; TOPMed 0.00013; ExAC 0.00006; ESP Exome Variant Server 0.00008.
gnomAD v4.1: 158 of 1,609,458 alleles (0.0098%); highest among the groups gnomAD compares: Non-Finnish European, 0.012%; no homozygotes.

Submissions (3):

Ambry Genetics
Classification: Uncertain significance for Inborn genetic diseases. Last evaluated: 2025-10-14. Review status: criteria provided, single submitter. Criteria: Ambry Variant Classification Scheme 2023. Collection method: clinical testing. Allele origin: germline.

Dasa
Classification: Uncertain significance. Last evaluated: 2025-01-28. Review status: criteria provided, single submitter. Criteria: DASA Assertion Criteria. Collection method: clinical testing. Allele origin: germline.
Comment: NM_152515.5(CKAP2L):c.847A>C (p.Ile283Leu) is a missense variant that results in the substitution of isoleucine with leucine. This variant is rare in population databases. Computational prediction algorithms are consistent with a benign effect. The currently available literature and clinical evidence are not sufficient to establish a definitive association between this variant and the reported condition. Therefore, this variant is classified as a variant of uncertain significance.

Labcorp Genetics (formerly Invitae), Labcorp
Classification: Uncertain significance. Last evaluated: 2023-12-26. Review status: criteria provided, single submitter. Criteria: Invitae Variant Classification Sherloc (09022015). Collection method: clinical testing. Allele origin: germline.
Comment: This sequence change replaces isoleucine, which is neutral and non-polar, with leucine, which is neutral and non-polar, at codon 283 of the CKAP2L protein (p.Ile283Leu). This variant is present in population databases (rs374752968, gnomAD 0.02%). This variant has not been reported in the literature in individuals affected with CKAP2L-related conditions. ClinVar contains an entry for this variant (Variation ID: 2514318). Advanced modeling of protein sequence and biophysical properties (such as structural, functional, and spatial information, amino acid conservation, physicochemical variation, residue mobility, and thermodynamic stability) performed at Invitae indicates that this missense variant is not expected to disrupt CKAP2L protein function with a negative predictive value of 80%. In summary, the available evidence is currently insufficient to determine the role of this variant in disease. Therefore, it has been classified as a Variant of Uncertain Significance.